The following is an entry in ClinVar:

NM_001164508.2(NEB):c.22652del (p.Leu7551fs)

Genes: NEB (nebulin; minus strand), RIF1 (replication timing regulatory factor 1; plus strand). Cytogenetic location: 2q23.3.
Variant type: Deletion.
Coding change: c.22652del on transcript NM_001164508.2 (MANE Select); coding-DNA position 22652, one base deleted (T; older notation c.22652delT).
Protein change: p.Leu7551fs; shifts the reading frame from leucine 7551.
Molecular consequence: frameshift variant.
Genome position (GRCh38, 1-based): chr2:151,519,008, A deleted on the plus strand (T on the coding strand, the reverse complement: NEB is on the minus strand). VCF-style (leftmost placement, unchanged base first): chr2-151519007-CA-C. GRCh37 (hg19) VCF-style: chr2-152375521-CA-C.
Other names: c.22652del, p.Leu7551fs (NM_001164507.2); c.22757del, p.Leu7586fs (NM_001271208.2); c.17549del, p.Leu5850fs (NM_004543.5); short protein forms L7551fs, L7586fs, L5850fs.
Identifiers: ClinVar variation 2090532 (VCV002090532.4), dbSNP rs2552091050, ClinGen allele CA2580063887.
Genomic context (GRCh38, chr2:151,519,007, plus strand): 5'-GCAAATGACTGAGCTTACAGAACTGGCAAGTTGGCTTGTATTCAGGACATGATTCATGAT[CA>C]GAGACTCCTTCATGTCAGTCACGGGTTTGTGAAGTTTCTTCAGGTCAGCCTTGTATTTAA-3'

ClinVar aggregate classification (germline): Pathogenic (1 of 4 stars; one submission).

Conditions:
Nemaline myopathy 2 (NEM2). Also called: Nemaline myopathy 2, autosomal recessive. Identifiers: MedGen C1850569, MONDO:0009725, OMIM 256030.

Submission:

Labcorp Genetics (formerly Invitae), Labcorp
Classification: Pathogenic for Nemaline myopathy 2. Last evaluated: 2022-01-27. Review status: criteria provided, single submitter. Criteria: Invitae Variant Classification Sherloc (09022015). Collection method: clinical testing. Allele origin: germline.
Comment: This sequence change creates a premature translational stop signal (p.Leu7586Argfs*3) in the NEB gene. It is expected to result in an absent or disrupted protein product. Loss-of-function variants in NEB are known to be pathogenic (PMID: 25205138). This variant is not present in population databases (gnomAD no frequency). This variant has not been reported in the literature in individuals affected with NEB-related conditions. For these reasons, this variant has been classified as Pathogenic.

Literature cited by the submitters: PubMed 25205138.